The following is an entry in ClinVar:

ClinVar aggregate classification (germline): Likely benign. Review status: criteria provided, multiple submitters, no conflicts (2 of 4 stars). 2 submissions from 2 submitters: Likely benign (2). Last evaluated 2026-02-01.

Conditions:
Autosomal recessive ataxia, Beauce type. Also called: Spinocerebellar ataxia, autosomal recessive 8; SYNE1-Related Autosomal Recessive Cerebellar Ataxia; SYNE1 Deficiency; ATAXIA, RECESSIVE, OF BEAUCE. Identifiers: Orphanet 88644, MedGen C1853116, MONDO:0012549, OMIM 610743.
Emery-Dreifuss muscular dystrophy 4, autosomal dominant (EDMD4). Also called: EMERY-DREIFUSS MUSCULAR DYSTROPHY 4 WITH VARIABLE FEATURES. Identifiers: Orphanet 261, MedGen C2751807, MONDO:0013071, OMIM 612998.

Allele frequency attached by ClinVar (database versions not stated): gnomAD exomes below 0.00001; ExAC 0.00001; gnomAD 0.00001; TOPMed 0.00001; ESP Exome Variant Server 0.00008.
gnomAD v4.1: 4 of 1,613,362 alleles (0.00025%); highest among the groups gnomAD compares: Non-Finnish European, 0.00034%; no homozygotes.

Submissions (2):

CeGaT Center for Human Genetics Tuebingen
Classification: Likely benign. Last evaluated: 2026-02-01. Review status: criteria provided, single submitter. Criteria: CeGaT Center For Human Genetics Tuebingen Variant Classification Criteria Version 2. Collection method: clinical testing. Allele origin: germline. Affected: yes. Observed: 1 variant allele.
Comment: SYNE1: BP4, BP7

Labcorp Genetics (formerly Invitae), Labcorp
Classification: Likely benign for Emery-Dreifuss muscular dystrophy 4, autosomal dominant; Autosomal recessive ataxia, Beauce type. Last evaluated: 2022-09-25. Review status: criteria provided, single submitter. Criteria: Invitae Variant Classification Sherloc (09022015). Collection method: clinical testing. Allele origin: germline.

NM_182961.4(SYNE1):c.6234G>A (p.Gln2078=)

Gene: SYNE1 (spectrin repeat containing nuclear envelope protein 1; minus strand). Cytogenetic location: 6q25.2.
Variant type: single nucleotide variant.
Coding change: c.6234G>A on transcript NM_182961.4 (MANE Select); coding-DNA position 6234, G replaced by A.
Protein change: p.Gln2078=; no amino-acid change (glutamine 2078 retained).
Molecular consequence: synonymous variant.
Genome position (GRCh38, 1-based): chr6:152,409,706, C>T on the plus strand (G>A on the coding strand, the complement: SYNE1 is on the minus strand). VCF-style: chr6-152409706-C-T. GRCh37 (hg19) VCF-style: chr6-152730841-C-T.
Other names: c.6255G>A, p.Gln2085= (NM_033071.5).
Identifiers: ClinVar variation 2184696 (VCV002184696.8), dbSNP rs140418114, ClinGen allele CA4058127.
Genomic context (GRCh38, chr6:152,409,706, plus strand): 5'-TACAGCTGATTTCAGGTTCTGATATTCTCTCATTAAGTCAATAAGTCCACAGCACTGACC[C>T]TGACTGTAATGATTAAAGAAAATATATTATTTGGTGTCATGTATCAGGAAAAGGGAGAGT-3'
Protein context (NP_892006.3, residues 2068-2088): DDTKRLIHEN[Gln2078=]GQCCGLIDLM